The following is an entry in ClinVar:

NM_000138.5(FBN1):c.6122C>T (p.Pro2041Leu)

Gene: FBN1 (fibrillin 1; minus strand). Cytogenetic location: 15q21.1.
Variant type: single nucleotide variant.
Coding change: c.6122C>T on transcript NM_000138.5 (MANE Select); coding-DNA position 6122, C replaced by T.
Protein change: p.Pro2041Leu; replaces proline 2041 with leucine.
Molecular consequence: missense variant.
Genome position (GRCh38, 1-based): chr15:48,441,762, G>A on the plus strand (C>T on the coding strand, the complement: FBN1 is on the minus strand). VCF-style: chr15-48441762-G-A. GRCh37 (hg19) VCF-style: chr15-48733959-G-A.
Other names: c.6122C>T, p.Pro2041Leu (NM_001406716.1); short protein forms P2041L.
Identifiers: ClinVar variation 2176304 (VCV002176304.6), dbSNP rs2505446069, ClinGen allele CA392338141.

ClinVar aggregate classification (germline): Uncertain significance. Review status: criteria provided, multiple submitters, no conflicts (2 of 4 stars). 3 submissions from 3 submitters: Uncertain significance (3). Last evaluated 2025-12-28.

Conditions:
Familial thoracic aortic aneurysm and aortic dissection (TAAD). Also called: Thoracic aortic aneurysms and dissections. Identifiers: Orphanet 91387, MedGen C4707243, MONDO:0019625.
Marfan syndrome (MFS). Also called: MARFAN SYNDROME, TYPE I; Marfan syndrome type 1; Marfan's syndrome; Marfan syndrome, classic; FBN1-Related Marfan Syndrome. Identifiers: Orphanet 284963, Orphanet 558, MedGen C0024796, MONDO:0007947, OMIM 154700.

Submissions (3):

Labcorp Genetics (formerly Invitae), Labcorp
Classification: Uncertain significance for Marfan syndrome; Familial thoracic aortic aneurysm and aortic dissection. Last evaluated: 2025-12-28. Review status: criteria provided, single submitter. Criteria: Invitae Variant Classification Sherloc (09022015). Collection method: clinical testing. Allele origin: germline.
Comment: This sequence change replaces proline, which is neutral and non-polar, with leucine, which is neutral and non-polar, at codon 2041 of the FBN1 protein (p.Pro2041Leu). This variant is not present in population databases (gnomAD no frequency). This variant has not been reported in the literature in individuals affected with FBN1-related conditions. ClinVar contains an entry for this variant (Variation ID: 2176304). Invitae Evidence Modeling of protein sequence and biophysical properties (such as structural, functional, and spatial information, amino acid conservation, physicochemical variation, residue mobility, and thermodynamic stability) indicates that this missense variant is expected to disrupt FBN1 protein function with a positive predictive value of 95%. In summary, the available evidence is currently insufficient to determine the role of this variant in disease. Therefore, it has been classified as a Variant of Uncertain Significance.

ARUP Laboratories, Molecular Genetics and Genomics, ARUP Laboratories
Classification: Uncertain significance. Last evaluated: 2023-09-13. Review status: criteria provided, single submitter. Criteria: ARUP Molecular Germline Variant Investigation Process 2024. Collection method: clinical testing. Allele origin: germline.
Comment: The FBN1 c.6122C>T; p.Pro2041Leu variant, to our knowledge, is not reported in the medical literature but is reported in ClinVar (Variation ID: 2176304). This variant is absent from the Genome Aggregation Database, indicating it is not a common polymorphism. Computational analyses are uncertain whether this variant is neutral or deleterious (REVEL: 0.653). Due to limited information, the clinical significance of this variant is uncertain at this time.

All of Us Research Program, National Institutes of Health
Classification: Uncertain significance for Marfan syndrome. Last evaluated: 2023-08-28. Review status: criteria provided, single submitter. Criteria: ACMG Guidelines, 2015. Collection method: clinical testing. Allele origin: germline. Inheritance: Autosomal dominant inheritance. Observed: 2 variant alleles, 2 heterozygotes.
Comment: This missense variant replaces proline with leucine at codon 2041 of the FBN1 protein. Computational prediction is inconclusive regarding the impact of this variant on protein structure and function (internally defined REVEL score threshold 0.5 < inconclusive < 0.7, PMID: 27666373). To our knowledge, functional studies have not been reported for this variant. This variant has not been reported in individuals affected with FBN1-related disorders in the literature. This variant has not been identified in the general population by the Genome Aggregation Database (gnomAD). The available evidence is insufficient to determine the role of this variant in disease conclusively. Therefore, this variant is classified as a Variant of Uncertain Significance.

This study involves interpretation of variants in research participants for the purpose of population health screening. Participant phenotype was not available at the time of variant classification. Additional details can be found in publication PMID: 35346344, PMCID: PMC8962531